The following is an entry in ClinVar:

ClinVar aggregate classification (germline): Uncertain significance (1 of 4 stars; one submission).

Conditions:
Dilated cardiomyopathy 1O (CMD1O). Also called: CARDIOMYOPATHY, DILATED, WITH VENTRICULAR TACHYCARDIA. Identifiers: Orphanet 154, MedGen C1837839, MONDO:0012062, OMIM 608569.

Submission:

Labcorp Genetics (formerly Invitae), Labcorp
Classification: Uncertain significance for Dilated cardiomyopathy 1O. Last evaluated: 2022-08-21. Review status: criteria provided, single submitter. Criteria: Invitae Variant Classification Sherloc (09022015). Collection method: clinical testing. Allele origin: germline.
Comment: In summary, the available evidence is currently insufficient to determine the role of this variant in disease. Therefore, it has been classified as a Variant of Uncertain Significance. Algorithms developed to predict the effect of sequence changes on RNA splicing suggest that this variant may disrupt the consensus splice site. This variant has not been reported in the literature in individuals affected with ABCC9-related conditions. This variant is not present in population databases (gnomAD no frequency). This sequence change falls in intron 30 of the ABCC9 gene. It does not directly change the encoded amino acid sequence of the ABCC9 protein.

NM_020297.4(ABCC9):c.3772-4A>T

Genes: ABCC9 (ATP binding cassette subfamily C member 9; minus strand), KCNJ8-AS1 (KCNJ8 antisense RNA 1; plus strand). Cytogenetic location: 12p12.1.
Variant type: single nucleotide variant.
Coding change: c.3772-4A>T on transcript NM_020297.4 (MANE Select); 4 bases into the intron before coding-DNA position 3772, A replaced by T.
Molecular consequence: intron variant.
Genome position (GRCh38, 1-based): chr12:21,817,311, T>A on the plus strand (A>T on the coding strand, the complement: ABCC9 is on the minus strand). VCF-style: chr12-21817311-T-A. GRCh37 (hg19) VCF-style: chr12-21970245-T-A.
Other names: c.2905-4A>T (NM_001377274.1); c.3772-4A>T (NM_005691.4, NM_001377273.1).
Identifiers: ClinVar variation 2025657 (VCV002025657.4), dbSNP rs1555179333, ClinGen allele CA2580085284.
Genomic context (GRCh38, chr12:21,817,311, plus strand): 5'-CATCTGGACCTCCAGGTCAGCCAAGTTCCTCACAACCCAATTCAAATAATTGGTTATCTG[T>A]GTCAGGTGATTAAAAAAATTGTTTTAAATAAATTAAAGTAAGAAGTTGTGGTTAATCACC-3'